The following is an entry in ClinVar:

ClinVar aggregate classification (germline): Pathogenic (1 of 4 stars; one submission).

Conditions:
Fanconi anemia (FA). Also called: Fanconi's anemia. Identifiers: Orphanet 84, MedGen C0015625, MeSH D005199, MONDO:0019391.

Submission:

Labcorp Genetics (formerly Invitae), Labcorp
Classification: Pathogenic for Fanconi anemia. Last evaluated: 2021-05-26. Review status: criteria provided, single submitter. Criteria: Invitae Variant Classification Sherloc (09022015). Collection method: clinical testing. Allele origin: germline.
Comment: For these reasons, this variant has been classified as Pathogenic. The region of the FANCA gene that includes exon(s) 16-17 has been determined to be clinically significant (PMID: 21273304, 29098742, 23613520, 9711872). Therefore, deletions that encompass that region are likely to disrupt protein function and cause disease. This variant has not been reported in the literature in individuals with FANCA-related conditions. This variant is a gross deletion of the genomic region encompassing exon(s) 9-17 of the FANCA gene. This variant would be expected to be in-frame, preserving the integrity of the reading frame.

Literature cited by the submitters: PubMed 21273304; PubMed 29098742; PubMed 23613520; PubMed 9711872.

NC_000016.9:g.(?_89849247)_(89866066_?)del

Gene: FANCA (FA complementation group A; minus strand). Cytogenetic location: 16q24.3.
Variant type: Deletion.
Identifiers: ClinVar variation 1368529 (VCV001368529.4).